The following is an entry in ClinVar:

ClinVar aggregate classification (germline): Uncertain significance (1 of 4 stars; one submission).

Allele frequency attached by ClinVar (database versions not stated): gnomAD exomes below 0.00001; gnomAD 0.00001; TOPMed 0.00001.
gnomAD v4.1: 2 of 1,611,252 alleles (0.00012%); highest among the groups gnomAD compares: African/African-American, 0.0027%; no homozygotes.

Submission:

Labcorp Genetics (formerly Invitae), Labcorp
Classification: Uncertain significance. Last evaluated: 2023-02-03. Review status: criteria provided, single submitter. Criteria: Invitae Variant Classification Sherloc (09022015). Collection method: clinical testing. Allele origin: germline.
Comment: This sequence change replaces methionine, which is neutral and non-polar, with isoleucine, which is neutral and non-polar, at codon 532 of the COL9A3 protein (p.Met532Ile). This variant is not present in population databases (gnomAD no frequency). This variant has not been reported in the literature in individuals affected with COL9A3-related conditions. Advanced modeling of protein sequence and biophysical properties (such as structural, functional, and spatial information, amino acid conservation, physicochemical variation, residue mobility, and thermodynamic stability) performed at Invitae indicates that this missense variant is not expected to disrupt COL9A3 protein function. In summary, the available evidence is currently insufficient to determine the role of this variant in disease. Therefore, it has been classified as a Variant of Uncertain Significance.

NM_001853.4(COL9A3):c.1596G>A (p.Met532Ile)

Genes: COL9A3 (collagen type IX alpha 3 chain; plus strand), LOC126863084 (MED14-independent group 3 enhancer GRCh37_chr20:61467141-61468340; plus strand). Cytogenetic location: 20q13.33.
Variant type: single nucleotide variant.
Coding change: c.1596G>A on transcript NM_001853.4 (MANE Select); coding-DNA position 1596, G replaced by A.
Protein change: p.Met532Ile; replaces methionine 532 with isoleucine.
Molecular consequence: missense variant.
Genome position (GRCh38, 1-based): chr20:62,836,525, G>A. VCF-style: chr20-62836525-G-A. GRCh37 (hg19) VCF-style: chr20-61467877-G-A.
Other names: short protein forms M532I.
Identifiers: ClinVar variation 2960889 (VCV002960889.3), dbSNP rs890502456, ClinGen allele CA317343453.
Genomic context (GRCh38, chr20:62,836,525, plus strand): 5'-GGGTGAATTCCAGGGGAAGGAGGCCAGCGAGCAGCGCATCAGGGAGCTGTGTGGGGGGAT[G>A]ATCAGCGGTAAGTCAGCCACGTGCACCGGCTGCAGCGGGGCCCATCCCCGCCTGGGGGTC-3'
Protein context (NP_001844.3, residues 522-542): EQRIRELCGG[Met532Ile]ISEQIAQLAA